The following is an entry in ClinVar:

NM_000203.5(IDUA):c.36_44del (p.10LLA[1])

Genes: IDUA (alpha-L-iduronidase; plus strand), SLC26A1 (solute carrier family 26 member 1; minus strand). Cytogenetic location: 4p16.3.
Variant type: Deletion.
Coding change: c.36_44del on transcript NM_000203.5 (MANE Select); coding-DNA positions 36 to 44, 9 bases deleted (GCTCCTGGC; older notation c.36_44delGCTCCTGGC).
Protein change: p.10LLA[1].
Molecular consequence: inframe deletion. On other transcripts: non-coding transcript variant (1), intron variant (1).
Genome position (GRCh38, 1-based): chr4:987,120-987,128, GCTCCTGGC deleted; deleting any 9 consecutive bases within chr4:987,115-987,128 gives the same sequence; the c. name uses the placement nearest the transcript's 3' end. VCF-style (leftmost placement, unchanged base first): chr4-987114-GCTGGCGCTC-G. GRCh37 (hg19) VCF-style: chr4-980902-GCTGGCGCTC-G.
Other names: c.576+4005_576+4013del (NM_134425.4).
Identifiers: ClinVar variation 3720558 (VCV003720558.2).

ClinVar aggregate classification (germline): Uncertain significance (1 of 4 stars; one submission).

Conditions:
Mucopolysaccharidosis type 1. Also called: IDUA deficiency; MPS I; Mucopolysaccharidosis Type I. Identifiers: Orphanet 579, MedGen C0023786, MONDO:0001586.

Submission:

Labcorp Genetics (formerly Invitae), Labcorp
Classification: Uncertain significance for Mucopolysaccharidosis type 1. Last evaluated: 2024-12-10. Review status: criteria provided, single submitter. Criteria: Invitae Variant Classification Sherloc (09022015). Collection method: clinical testing. Allele origin: germline.
Comment: This variant, c.36_44del, results in the deletion of 3 amino acid(s) of the IDUA protein (p.Leu13_Ala15del), but otherwise preserves the integrity of the reading frame. This variant is not present in population databases (gnomAD no frequency). This variant has been observed in individual(s) with mucopolysaccharidosis type I (PMID: 28752568). Experimental studies and prediction algorithms are not available or were not evaluated, and the functional significance of this variant is currently unknown. In summary, the available evidence is currently insufficient to determine the role of this variant in disease. Therefore, it has been classified as a Variant of Uncertain Significance.

Literature cited by the submitters: PubMed 28752568.